The following is an entry in ClinVar:

ClinVar aggregate classification (germline): Likely pathogenic (1 of 4 stars; one submission).

Conditions:
Mucopolysaccharidosis type 6 (MPS6). Also called: N-ACETYLGALACTOSAMINE-4-SULFATASE DEFICIENCY; MPS VI; MPS 6; Maroteaux Lamy syndrome; ARSB DEFICIENCY; ARYLSULFATASE B DEFICIENCY. Identifiers: Orphanet 583, MedGen C0026709, MONDO:0009661, OMIM 253200.

Submission:

Laboratory of Diagnosis and Therapy of Lysosomal Disorders, University of Padova
Classification: Likely pathogenic for Mucopolysaccharidosis type 6. Last evaluated: 2018-01-01. Review status: criteria provided, single submitter. Criteria: ACMG Guidelines, 2015. Collection method: curation. Allele origin: germline. Affected: yes.
Comment: Nonsense variant (PVS1); Absent from GnomAD (PM2)

Literature cited by the submitters: PubMed 21791831; PubMed 30118150.

NM_000046.5(ARSB):c.149T>A (p.Leu50Ter)

Genes: ARSB (arylsulfatase B; minus strand), LOC129994126 (ATAC-STARR-seq lymphoblastoid silent region 16127; plus strand). Cytogenetic location: 5q14.1.
Variant type: single nucleotide variant.
Coding change: c.149T>A on transcript NM_000046.5 (MANE Select); coding-DNA position 149, T replaced by A.
Protein change: p.Leu50Ter; replaces leucine 50 with a stop codon.
Molecular consequence: nonsense.
Genome position (GRCh38, 1-based): chr5:78,985,100, A>T on the plus strand (T>A on the coding strand, the complement: ARSB is on the minus strand). VCF-style: chr5-78985100-A-T. GRCh37 (hg19) VCF-style: chr5-78280923-A-T.
Other names: c.149T>A, p.Leu50Ter (NM_198709.3); short protein forms L50*.
Identifiers: ClinVar variation 559718 (VCV000559718.1), dbSNP rs1554032222, ClinGen allele CA360196969.